The following is an entry in ClinVar:

ClinVar aggregate classification (germline): Uncertain significance (1 of 4 stars; one submission).

Conditions:
DICER1-related tumor predisposition. Also called: DICER1-related pleuropulmonary blastoma cancer predisposition syndrome; DICER1 syndrome. Identifiers: Orphanet 284343, MedGen C3839822, MONDO:0100216.

Submission:

Labcorp Genetics (formerly Invitae), Labcorp
Classification: Uncertain significance for DICER1-related tumor predisposition. Last evaluated: 2023-04-13. Review status: criteria provided, single submitter. Criteria: Invitae Variant Classification Sherloc (09022015). Collection method: clinical testing. Allele origin: germline.
Comment: This sequence change replaces alanine, which is neutral and non-polar, with threonine, which is neutral and polar, at codon 1579 of the DICER1 protein (p.Ala1579Thr). This variant is not present in population databases (gnomAD no frequency). This variant has not been reported in the literature in individuals affected with DICER1-related conditions. Advanced modeling of protein sequence and biophysical properties (such as structural, functional, and spatial information, amino acid conservation, physicochemical variation, residue mobility, and thermodynamic stability) performed at Invitae indicates that this missense variant is not expected to disrupt DICER1 protein function. In summary, the available evidence is currently insufficient to determine the role of this variant in disease. Therefore, it has been classified as a Variant of Uncertain Significance.

NM_177438.3(DICER1):c.4735G>A (p.Ala1579Thr)

Gene: DICER1 (dicer 1, ribonuclease III; minus strand). Cytogenetic location: 14q32.13.
Variant type: single nucleotide variant.
Coding change: c.4735G>A on transcript NM_177438.3 (MANE Select); coding-DNA position 4735, G replaced by A.
Protein change: p.Ala1579Thr; replaces alanine 1579 with threonine.
Molecular consequence: missense variant. On other transcripts: non-coding transcript variant (6).
Genome position (GRCh38, 1-based): chr14:95,096,185, C>T on the plus strand (G>A on the coding strand, the complement: DICER1 is on the minus strand). VCF-style: chr14-95096185-C-T. GRCh37 (hg19) VCF-style: chr14-95562522-C-T.
Other names: c.4735G>A, p.Ala1579Thr (NM_001195573.1, NM_001271282.3, NM_001291628.2 and 13 more transcripts); c.4453G>A, p.Ala1485Thr (NM_001395686.1); c.4330G>A, p.Ala1444Thr (NM_001395687.1, NM_001395688.1, NM_001395689.1 and 2 more transcripts); c.4168G>A, p.Ala1390Thr (NM_001395691.1); c.3052G>A, p.Ala1018Thr (NM_001395697.1); short protein forms A1485T, A1444T, A1018T, A1390T, A1579T.
Identifiers: ClinVar variation 2853380 (VCV002853380.3), dbSNP rs1595339889, ClinGen allele CA390867390.
Genomic context (GRCh38, chr14:95,096,185, plus strand): 5'-GATCAGTCCTTTTAATTACCGGGAGCACCTTCAGCCCCAGTGAACAGAGGAAAAGCTGAG[C>T]AGCCCTCTCCCCACAGCTGGTTAAATAGCAGCCCAGCAGGGCTTCCACACAGTCCGCTAT-3'
Protein context (NP_803187.1, residues 1569-1589): CYLTSCGERA[Ala1579Thr]QLFLCSLGLK